The following is an entry in ClinVar:

ClinVar aggregate classification (germline): Uncertain significance (1 of 4 stars; one submission).

Conditions:
Nephronophthisis 16 (NPHP16). Identifiers: Orphanet 655, MedGen C3809320, MONDO:0014158, OMIM 615382.

Submission:

Labcorp Genetics (formerly Invitae), Labcorp
Classification: Uncertain significance for Nephronophthisis 16. Last evaluated: 2022-02-18. Review status: criteria provided, single submitter. Criteria: Invitae Variant Classification Sherloc (09022015). Collection method: clinical testing. Allele origin: germline.
Comment: This variant has not been reported in the literature in individuals affected with ANKS6-related conditions. Algorithms developed to predict the effect of missense changes on protein structure and function (SIFT, PolyPhen-2, Align-GVGD) all suggest that this variant is likely to be tolerated. In summary, the available evidence is currently insufficient to determine the role of this variant in disease. Therefore, it has been classified as a Variant of Uncertain Significance. This variant is not present in population databases (gnomAD no frequency). This sequence change replaces alanine, which is neutral and non-polar, with valine, which is neutral and non-polar, at codon 25 of the ANKS6 protein (p.Ala25Val).

NM_173551.5(ANKS6):c.74C>T (p.Ala25Val)

Gene: ANKS6 (ankyrin repeat and sterile alpha motif domain containing 6; minus strand). Cytogenetic location: 9q22.33.
Variant type: single nucleotide variant.
Coding change: c.74C>T on transcript NM_173551.5 (MANE Select); coding-DNA position 74, C replaced by T.
Protein change: p.Ala25Val; replaces alanine 25 with valine.
Molecular consequence: missense variant.
Genome position (GRCh38, 1-based): chr9:98,796,418, G>A on the plus strand (C>T on the coding strand, the complement: ANKS6 is on the minus strand). VCF-style: chr9-98796418-G-A. GRCh37 (hg19) VCF-style: chr9-101558700-G-A.
Other names: short protein forms A25V.
Identifiers: ClinVar variation 1942626 (VCV001942626.5), dbSNP rs1835180061, ClinGen allele CA374220705.
Genomic context (GRCh38, chr9:98,796,418, plus strand): 5'-GCCTCCGGCTCCGCGCCGCGCTCGGCTGGCTCCGCCGCCCCCGGCTCCAGCAGCCGCCGC[G>A]CCGTCTCCGTGTCGCCCTGGTCACACGCGCGCAGCAGCAGCTGGAAGGCCGGGGGCAGCC-3'
Protein context (NP_775822.3, residues 15-35): RACDQGDTET[Ala25Val]RRLLEPGAAE